The following is an entry in ClinVar:

NM_000038.6(APC):c.114A>C (p.Glu38Asp)

Gene: APC (APC regulator of Wnt signaling pathway; plus strand). Cytogenetic location: 5q22.2.
Variant type: single nucleotide variant.
Coding change: c.114A>C on transcript NM_000038.6 (MANE Select); coding-DNA position 114, A replaced by C.
Protein change: p.Glu38Asp; replaces glutamic acid 38 with aspartic acid.
Molecular consequence: missense variant. On other transcripts: 5 prime UTR variant (4), non-coding transcript variant (2), intron variant (11).
Genome position (GRCh38, 1-based): chr5:112,755,004, A>C. VCF-style: chr5-112755004-A-C. GRCh37 (hg19) VCF-style: chr5-112090701-A-C.
Other names: c.114A>C, p.Glu38Asp (NM_001127510.3, NM_001354895.2, NM_001354896.2 and 16 more transcripts); c.-922A>C (NM_001354906.2, NM_001407470.1, NM_001407471.1 and 1 more transcripts); c.166-11322A>C (NM_001407446.1, NM_001354897.2, NM_001354902.2 and 1 more transcripts); c.-42-11322A>C (NM_001407453.1, NM_001354900.2, NM_001354901.2 and 1 more transcripts); c.61-11322A>C (NM_001407451.1, NM_001354898.2, NM_001354904.2); short protein forms E38D.
Identifiers: ClinVar variation 4827271 (VCV004827271.1).

ClinVar aggregate classification (germline): Uncertain significance (1 of 4 stars; one submission).

Conditions:
Hereditary cancer-predisposing syndrome. Also called: Neoplastic Syndromes, Hereditary; Tumor predisposition; Hereditary Cancer Syndrome; Hereditary neoplastic syndrome. Identifiers: Orphanet 140162, MedGen C0027672, MeSH D009386, MONDO:0015356.

Submission:

Ambry Genetics
Classification: Uncertain significance for Hereditary cancer-predisposing syndrome. Last evaluated: 2026-03-04. Review status: criteria provided, single submitter. Criteria: Ambry Variant Classification Scheme 2023. Collection method: clinical testing. Allele origin: germline.
Comment: The p.E38D variant (also known as c.114A>C), located in coding exon 1 of the APC gene, results from an A to C substitution at nucleotide position 114. The glutamic acid at codon 38 is replaced by aspartic acid, an amino acid with highly similar properties. This amino acid position is highly conserved in available vertebrate species. In addition, in silico predictors for this gene do not accurately predict pathogenicity. Missense variants in APC are not a common cause of disease (Spier I et al. Genet Med. 2024 Feb;26(2):100992). Based on the available evidence, the clinical significance of this variant remains unclear.